The following is an entry in ClinVar:

ClinVar aggregate classification (germline): Benign (1 of 4 stars; one submission).

Submission:

GeneDx
Classification: Benign. Last evaluated: 2013-11-04. Review status: criteria provided, single submitter. Criteria: GeneDx Variant Classification (06012015). Collection method: clinical testing. Allele origin: germline. Affected: yes.
Comment: This variant is considered likely benign or benign based on one or more of the following criteria: it is a conservative change, it occurs at a poorly conserved position in the protein, it is predicted to be benign by multiple in silico algorithms, and/or has population frequency not consistent with disease.

NM_032545.4(CFC1):c.225C>A (p.Pro75=)

Gene: CFC1 (cripto, FRL-1, cryptic family 1; minus strand). Cytogenetic location: 2q21.1.
Variant type: single nucleotide variant.
Coding change: c.225C>A on transcript NM_032545.4 (MANE Select); coding-DNA position 225, C replaced by A.
Protein change: p.Pro75=; no amino-acid change (proline 75 retained).
Molecular consequence: synonymous variant.
Genome position (GRCh38, 1-based): chr2:130,598,664, G>T on the plus strand (C>A on the coding strand, the complement: CFC1 is on the minus strand). VCF-style: chr2-130598664-G-T. GRCh37 (hg19) VCF-style: chr2-131356237-G-T.
Other names: p.P75P:CCC>CCA; c.225C>A, p.Pro75= (NM_001270420.2, NM_001270421.2).
Identifiers: ClinVar variation 136734 (VCV000136734.1), dbSNP rs55791556, ClinGen allele CA290049.